The following is an entry in ClinVar:

NM_001318852.2(MAPK8IP3):c.3172G>A (p.Asp1058Asn)

Gene: MAPK8IP3 (mitogen-activated protein kinase 8 interacting protein 3; plus strand). Cytogenetic location: 16p13.3.
Variant type: single nucleotide variant.
Coding change: c.3172G>A on transcript NM_001318852.2 (MANE Select); coding-DNA position 3172, G replaced by A.
Protein change: p.Asp1058Asn; replaces aspartic acid 1058 with asparagine.
Molecular consequence: missense variant.
Genome position (GRCh38, 1-based): chr16:1,767,232, G>A. VCF-style: chr16-1767232-G-A. GRCh37 (hg19) VCF-style: chr16-1817233-G-A.
Other names: c.3151G>A, p.Asp1051Asn (NM_001040439.2); c.3169G>A, p.Asp1057Asn (NM_015133.5, NM_033392.3); short protein forms D1051N, D1057N, D1058N.
Identifiers: ClinVar variation 2635469 (VCV002635469.1), dbSNP rs2042323185, ClinGen allele CA394237411.
Genomic context (GRCh38, chr16:1,767,232, plus strand): 5'-TATCACCTAATGGACCTGGGCCACCCGCACCACTCCATCCGCTGCATGGCTGTTGTGTAC[G>A]ACCGCGTGTGGTGTGGCTACAAGAACAAGGTGCACGTCATCCAGCCCAAGACCATGCAGA-3'
Protein context (NP_001305781.1, residues 1048-1068): HSIRCMAVVY[Asp1058Asn]RVWCGYKNKV

ClinVar aggregate classification (germline): Uncertain significance (1 of 4 stars; one submission).

Conditions:
MAPK8IP3-related disorder. Also called: MAPK8IP3-related condition.

Allele frequency attached by ClinVar (database versions not stated): gnomAD exomes below 0.00001; TOPMed below 0.00001.
gnomAD v4.1: 2 of 1,613,462 alleles (0.00012%); highest among the groups gnomAD compares: Non-Finnish European, 0.00017%; no homozygotes.

Submission:

PreventionGenetics, part of Exact Sciences
Classification: Uncertain significance for MAPK8IP3-related condition. Last evaluated: 2022-12-06. Review status: criteria provided, single submitter. Criteria: ACMG Guidelines, 2015. Collection method: clinical testing. Allele origin: germline.
Comment: The MAPK8IP3 c.3172G>A variant is predicted to result in the amino acid substitution p.Asp1058Asn. To our knowledge, this variant has not been reported in the literature or in a large population database, indicating this variant is rare. At this time, the clinical significance of this variant is uncertain due to the absence of conclusive functional and genetic evidence.